The following is an entry in ClinVar:

NM_001031710.3(KLHL7):c.767A>G (p.Asn256Ser)

Gene: KLHL7 (kelch like family member 7; plus strand). Cytogenetic location: 7p15.3.
Variant type: single nucleotide variant.
Coding change: c.767A>G on transcript NM_001031710.3 (MANE Select); coding-DNA position 767, A replaced by G.
Protein change: p.Asn256Ser; replaces asparagine 256 with serine.
Molecular consequence: missense variant. On other transcripts: non-coding transcript variant (1).
Genome position (GRCh38, 1-based): chr7:23,143,999, A>G. VCF-style: chr7-23143999-A-G. GRCh37 (hg19) VCF-style: chr7-23183618-A-G.
Other names: c.623A>G, p.Asn208Ser (NM_018846.5); short protein forms N256S, N208S.
Identifiers: ClinVar variation 286769 (VCV000286769.10), dbSNP rs886043474, ClinGen allele CA10605562.
Genomic context (GRCh38, chr7:23,143,999, plus strand): 5'-CTCTTATATCAAAGAATTTCTTAAGTAAAACGGTACAAGCTGAACCACTTATTCAAGACA[A>G]TCCTGAATGCCTTAAGATGGTGATAAGTAAGTTGCCTTAATAACCATTTATAACCTGATC-3'
Protein context (NP_001026880.2, residues 246-266): TVQAEPLIQD[Asn256Ser]PECLKMVISG

ClinVar aggregate classification (germline): Uncertain significance. Review status: criteria provided, multiple submitters, no conflicts (2 of 4 stars). 2 submissions from 2 submitters: Uncertain significance (2). Last evaluated 2022-11-08.

Submissions (2):

Labcorp Genetics (formerly Invitae), Labcorp
Classification: Uncertain significance. Last evaluated: 2022-11-08. Review status: criteria provided, single submitter. Criteria: Invitae Variant Classification Sherloc (09022015). Collection method: clinical testing. Allele origin: germline.
Comment: This sequence change replaces asparagine, which is neutral and polar, with serine, which is neutral and polar, at codon 256 of the KLHL7 protein (p.Asn256Ser). This variant is not present in population databases (gnomAD no frequency). This variant has not been reported in the literature in individuals affected with KLHL7-related conditions. ClinVar contains an entry for this variant (Variation ID: 286769). Algorithms developed to predict the effect of missense changes on protein structure and function are either unavailable or do not agree on the potential impact of this missense change (SIFT: "Deleterious"; PolyPhen-2: "Benign"; Align-GVGD: "Class C45"). In summary, the available evidence is currently insufficient to determine the role of this variant in disease. Therefore, it has been classified as a Variant of Uncertain Significance.

Eurofins Ntd Llc (ga)
Classification: Uncertain significance. Last evaluated: 2016-04-01. Review status: criteria provided, single submitter. Criteria: EGL Classification Definitions 2015. Collection method: clinical testing. Allele origin: germline. Observed: 1 variant allele, 1 heterozygote.